The following is an entry in ClinVar:

NM_000264.5(PTCH1):c.1033G>A (p.Gly345Ser)

Gene: PTCH1 (patched 1; minus strand). Cytogenetic location: 9q22.32.
Variant type: single nucleotide variant.
Coding change: c.1033G>A on transcript NM_000264.5 (MANE Select); coding-DNA position 1033, G replaced by A.
Protein change: p.Gly345Ser; replaces glycine 345 with serine.
Molecular consequence: missense variant. On other transcripts: non-coding transcript variant (1).
Genome position (GRCh38, 1-based): chr9:95,480,003, C>T on the plus strand (G>A on the coding strand, the complement: PTCH1 is on the minus strand). VCF-style: chr9-95480003-C-T. GRCh37 (hg19) VCF-style: chr9-98242285-C-T.
Other names: c.835G>A, p.Gly279Ser (NM_001083602.3); c.1030G>A, p.Gly344Ser (NM_001083603.3); c.580G>A, p.Gly194Ser (NM_001083604.3, NM_001083605.3, NM_001083606.3 and 1 more transcripts); c.1033G>A, p.Gly345Ser (NM_001354918.2); short protein forms G194S, G279S, G344S, G345S.
Identifiers: ClinVar variation 3001823 (VCV003001823.5), dbSNP rs750628569, ClinGen allele CA5138784.
Genomic context (GRCh38, chr9:95,480,003, plus strand): 5'-TAGATTGTCCTCGGGAGCTGGCTTACCTGACGAGTTTTCCAGTGCTGTTCTTGACTGTGC[C>T]ACCCACAATCAACTCCTCCTGCCAGTGCATATACTTTCTGGATAAGCCATGACATCCACC-3'
Protein context (NP_000255.2, residues 335-355): MHWQEELIVG[Gly345Ser]TVKNSTGKLV

ClinVar aggregate classification (germline): Uncertain significance. Review status: criteria provided, multiple submitters, no conflicts (2 of 4 stars). 3 submissions from 3 submitters: Uncertain significance (3). Last evaluated 2025-06-21.

Conditions:
Hereditary cancer-predisposing syndrome. Also called: Hereditary Cancer Syndrome; Hereditary neoplastic syndrome; Neoplastic Syndromes, Hereditary; Tumor predisposition. Identifiers: Orphanet 140162, MedGen C0027672, MeSH D009386, MONDO:0015356.
Gorlin syndrome. Also called: Nevoid Basal Cell Carcinoma Syndrome; Basal cell nevus syndrome. Identifiers: Orphanet 377, MedGen C0004779, MONDO:0007187.

Allele frequency attached by ClinVar (database versions not stated): gnomAD exomes below 0.00001; ExAC 0.00001.
gnomAD v4.1: 1 of 1,614,084 alleles (0.000062%); highest among the groups gnomAD compares: Non-Finnish European, 0.000085%; no homozygotes.

Submissions (3):

Ambry Genetics
Classification: Uncertain significance for Hereditary cancer-predisposing syndrome. Last evaluated: 2025-06-21. Review status: criteria provided, single submitter. Criteria: Ambry Variant Classification Scheme 2023. Collection method: clinical testing. Allele origin: germline.
Comment: The p.G345S variant (also known as c.1033G>A), located in coding exon 7 of the PTCH1 gene, results from a G to A substitution at nucleotide position 1033. The glycine at codon 345 is replaced by serine, an amino acid with similar properties. This amino acid position is conserved. In addition, this alteration is predicted to be deleterious by in silico analysis. Based on the available evidence, the clinical significance of this variant remains unclear.

GeneDx
Classification: Uncertain significance. Last evaluated: 2024-01-03. Review status: criteria provided, single submitter. Criteria: GeneDx Variant Classification Process June 2021. Collection method: clinical testing. Allele origin: germline. Affected: yes.
Comment: Not observed at significant frequency in large population cohorts (gnomAD); In silico analysis supports that this missense variant has a deleterious effect on protein structure/function; Has not been previously published as pathogenic or benign to our knowledge; This variant is associated with the following publications: (PMID: 8906794)

Labcorp Genetics (formerly Invitae), Labcorp
Classification: Uncertain significance for Gorlin syndrome. Last evaluated: 2022-11-18. Review status: criteria provided, single submitter. Criteria: Invitae Variant Classification Sherloc (09022015). Collection method: clinical testing. Allele origin: germline.
Comment: Advanced modeling of protein sequence and biophysical properties (such as structural, functional, and spatial information, amino acid conservation, physicochemical variation, residue mobility, and thermodynamic stability) has been performed at Invitae for this missense variant, however the output from this modeling did not meet the statistical confidence thresholds required to predict the impact of this variant on PTCH1 protein function. In summary, the available evidence is currently insufficient to determine the role of this variant in disease. Therefore, it has been classified as a Variant of Uncertain Significance. This variant has not been reported in the literature in individuals affected with PTCH1-related conditions. This sequence change replaces glycine, which is neutral and non-polar, with serine, which is neutral and polar, at codon 345 of the PTCH1 protein (p.Gly345Ser). This variant is present in population databases (rs750628569, gnomAD 0.0009%).